The following is an entry in ClinVar:

NM_001386795.1(DTNA):c.1088T>C (p.Leu363Ser)

Gene: DTNA (dystrobrevin alpha; plus strand). Cytogenetic location: 18q12.1.
Variant type: single nucleotide variant.
Coding change: c.1088T>C on transcript NM_001386795.1 (MANE Select); coding-DNA position 1088, T replaced by C.
Protein change: p.Leu363Ser; replaces leucine 363 with serine.
Molecular consequence: missense variant. On other transcripts: intron variant (27).
Genome position (GRCh38, 1-based): chr18:34,829,402, T>C. VCF-style: chr18-34829402-T-C. GRCh37 (hg19) VCF-style: chr18-32409366-T-C.
Other names: p.L45S:TTA>TCA; c.1085+1726T>C (NM_001198939.2, NM_001198940.2, NM_001386765.1 and 14 more transcripts); c.1094+1726T>C (NM_001390.5, NM_001391.5, NM_032975.4 and 3 more transcripts); c.335+1726T>C (NM_001198943.1); c.131+1726T>C (NM_032980.4, NM_032981.5); c.1088T>C, p.Leu363Ser (NM_001386770.1, NM_001386788.1, NM_001386754.1 and 6 more transcripts); c.603+17289T>C (NM_001198945.2); c.134T>C, p.Leu45Ser (NM_001198942.1, NM_001198944.1); short protein forms L45S, L363S.
Identifiers: ClinVar variation 201761 (VCV000201761.11), dbSNP rs546236565, ClinGen allele CA335115.

ClinVar aggregate classification (germline): Likely benign. Review status: criteria provided, multiple submitters, no conflicts (2 of 4 stars). 4 submissions from 4 submitters: Likely benign (4). Last evaluated 2024-07-11.

Conditions:
Left ventricular noncompaction 1 (LVNC1). Also called: LEFT VENTRICULAR NONCOMPACTION 1 WITH OR WITHOUT CONGENITAL HEART DEFECTS. Identifiers: Orphanet 54260, MedGen C1858725, MONDO:0011403, OMIM 604169.

Allele frequency attached by ClinVar (database versions not stated): gnomAD 0.00121 and 0.00115; 1000 Genomes Project 30x 0.00109; gnomAD exomes 0.00009 and 0.00028; ExAC 0.00019; TOPMed 0.00155; 1000 Genomes Project 0.00120.
gnomAD v4.1: 308 of 1,535,004 alleles (0.02%); highest among the groups gnomAD compares: African/African-American, 0.36%; no homozygotes.

Submissions (4):

Blueprint Genetics
Classification: Likely benign. Last evaluated: 2024-07-11. Review status: criteria provided, single submitter. Criteria: ACMG Guidelines, 2015. Collection method: clinical testing. Allele origin: germline.

ARUP Laboratories, Molecular Genetics and Genomics, ARUP Laboratories
Classification: Likely benign for Left ventricular noncompaction 1. Last evaluated: 2019-03-13. Review status: criteria provided, single submitter. Criteria: ARUP Molecular Germline Variant Investigation Process. Collection method: clinical testing. Allele origin: germline.

GeneDx
Classification: Likely benign. Last evaluated: 2017-11-09. Review status: criteria provided, single submitter. Criteria: GeneDx Variant Classification (06012015). Collection method: clinical testing. Allele origin: germline. Affected: yes.
Comment: This variant is considered likely benign or benign based on one or more of the following criteria: it is a conservative change, it occurs at a poorly conserved position in the protein, it is predicted to be benign by multiple in silico algorithms, and/or has population frequency not consistent with disease.

Breakthrough Genomics
Classification: Likely benign. Review status: criteria provided, single submitter. Criteria: ACMG Guidelines, 2015. Collection method: not provided. Allele origin: germline. Inheritance: Autosomal dominant inheritance. Affected: yes.